The following is an entry in ClinVar:

ClinVar aggregate classification (germline): Uncertain significance (1 of 4 stars; one submission).

Conditions:
Hereditary cancer-predisposing syndrome. Also called: Neoplastic Syndromes, Hereditary; Tumor predisposition; Hereditary Cancer Syndrome; Hereditary neoplastic syndrome. Identifiers: Orphanet 140162, MedGen C0027672, MeSH D009386, MONDO:0015356.

gnomAD v4.1: 1 of 1,613,928 alleles (0.000062%); highest among the groups gnomAD compares: Non-Finnish European, 0.000085%; no homozygotes.

Submission:

Ambry Genetics
Classification: Uncertain significance for Hereditary cancer-predisposing syndrome. Last evaluated: 2021-03-19. Review status: criteria provided, single submitter. Criteria: Ambry Variant Classification Scheme 2023. Collection method: clinical testing. Allele origin: germline.
Comment: The p.R89G variant (also known as c.265C>G), located in coding exon 3 of the NBN gene, results from a C to G substitution at nucleotide position 265. The arginine at codon 89 is replaced by glycine, an amino acid with dissimilar properties. This amino acid position is poorly conserved in available vertebrate species. In addition, this alteration is predicted to be tolerated by in silico analysis. Since supporting evidence is limited at this time, the clinical significance of this alteration remains unclear.

NM_002485.5(NBN):c.265C>G (p.Arg89Gly)

Gene: NBN (nibrin; minus strand). Cytogenetic location: 8q21.3.
Variant type: single nucleotide variant.
Coding change: c.265C>G on transcript NM_002485.5 (MANE Select); coding-DNA position 265, C replaced by G.
Protein change: p.Arg89Gly; replaces arginine 89 with glycine.
Molecular consequence: missense variant.
Genome position (GRCh38, 1-based): chr8:89,981,430, G>C on the plus strand (C>G on the coding strand, the complement: NBN is on the minus strand). VCF-style: chr8-89981430-G-C. GRCh37 (hg19) VCF-style: chr8-90993658-G-C.
Other names: c.19C>G, p.Arg7Gly (NM_001024688.3); short protein forms R7G, R89G.
Identifiers: ClinVar variation 920158 (VCV000920158.6), dbSNP rs1057516320, ClinGen allele CA371662446.